The following is an entry in ClinVar:

NM_021625.5(TRPV4):c.901G>T (p.Val301Phe)

Gene: TRPV4 (transient receptor potential cation channel subfamily V member 4; minus strand). Cytogenetic location: 12q24.11.
Variant type: single nucleotide variant.
Coding change: c.901G>T on transcript NM_021625.5 (MANE Select); coding-DNA position 901, G replaced by T.
Protein change: p.Val301Phe; replaces valine 301 with phenylalanine.
Molecular consequence: missense variant.
Genome position (GRCh38, 1-based): chr12:109,798,865, C>A on the plus strand (G>T on the coding strand, the complement: TRPV4 is on the minus strand). VCF-style: chr12-109798865-C-A. GRCh37 (hg19) VCF-style: chr12-110236670-C-A.
Other names: c.760G>T, p.Val254Phe (NM_001177428.2, NM_001177433.2); c.799G>T, p.Val267Phe (NM_001177431.2); c.901G>T, p.Val301Phe (NM_147204.3); short protein forms V254F, V267F, V301F.
Identifiers: ClinVar variation 3637651 (VCV003637651.2).

ClinVar aggregate classification (germline): Uncertain significance (1 of 4 stars; one submission).

Conditions:
Charcot-Marie-Tooth disease axonal type 2C (HMSN2C). Also called: CHARCOT-MARIE-TOOTH DISEASE, AXONAL, AUTOSOMAL DOMINANT, TYPE 2C; Charcot-Marie-Tooth Neuropathy Type 2C; Charcot-Marie-Tooth Disease Type 2, TRPV4-Related (CMT2C). Identifiers: Orphanet 99937, MedGen C1853710, MONDO:0011633, OMIM 606071.

Submission:

Labcorp Genetics (formerly Invitae), Labcorp
Classification: Uncertain significance for Charcot-Marie-Tooth disease axonal type 2C. Last evaluated: 2025-01-01. Review status: criteria provided, single submitter. Criteria: Invitae Variant Classification Sherloc (09022015). Collection method: clinical testing. Allele origin: germline.
Comment: This sequence change replaces valine, which is neutral and non-polar, with phenylalanine, which is neutral and non-polar, at codon 301 of the TRPV4 protein (p.Val301Phe). This variant is not present in population databases (gnomAD no frequency). This variant has not been reported in the literature in individuals affected with TRPV4-related conditions. Invitae Evidence Modeling of protein sequence and biophysical properties (such as structural, functional, and spatial information, amino acid conservation, physicochemical variation, residue mobility, and thermodynamic stability) has been performed for this missense variant. However, the output from this modeling did not meet the statistical confidence thresholds required to predict the impact of this variant on TRPV4 protein function. In summary, the available evidence is currently insufficient to determine the role of this variant in disease. Therefore, it has been classified as a Variant of Uncertain Significance.